The following is an entry in ClinVar:

NM_000038.6(APC):c.2995C>T (p.Gln999Ter)

Gene: APC (APC regulator of Wnt signaling pathway; plus strand). Cytogenetic location: 5q22.2.
Variant type: single nucleotide variant.
Coding change: c.2995C>T on transcript NM_000038.6 (MANE Select); coding-DNA position 2995, C replaced by T.
Protein change: p.Gln999Ter; replaces glutamine 999 with a stop codon.
Molecular consequence: nonsense.
Genome position (GRCh38, 1-based): chr5:112,838,589, C>T. VCF-style: chr5-112838589-C-T. GRCh37 (hg19) VCF-style: chr5-112174286-C-T.
Other names: c.2995C>T, p.Gln999Ter (NM_001127510.3, NM_001354895.2); c.2941C>T, p.Gln981Ter (NM_001127511.3); c.3049C>T, p.Gln1017Ter (NM_001354896.2); c.3025C>T, p.Gln1009Ter (NM_001354897.2); c.2920C>T, p.Gln974Ter (NM_001354898.2); c.2911C>T, p.Gln971Ter (NM_001354899.2); c.2872C>T, p.Gln958Ter (NM_001354900.2); c.2818C>T, p.Gln940Ter (NM_001354901.2); and 5 more; short protein forms Q981*, Q999*, Q716*, Q873*, Q898*, Q940*, Q1017*, Q839*.
Identifiers: ClinVar variation 433639 (VCV000433639.11), dbSNP rs75239284, ClinGen allele CA16027884.

ClinVar aggregate classification (germline): Pathogenic. Review status: criteria provided, multiple submitters, no conflicts (2 of 4 stars). 6 submissions from 6 submitters: Pathogenic (3). 3 of the submissions do not count toward it. Last evaluated 2025-01-16.

Conditions:
Hereditary cancer-predisposing syndrome. Also called: Hereditary Cancer Syndrome; Hereditary neoplastic syndrome; Neoplastic Syndromes, Hereditary; Tumor predisposition. Identifiers: Orphanet 140162, MedGen C0027672, MeSH D009386, MONDO:0015356.
Familial adenomatous polyposis 1 (FAP1). Also called: POLYPOSIS, ADENOMATOUS INTESTINAL; FAMILIAL ADENOMATOUS POLYPOSIS 1, ATTENUATED. Identifiers: MedGen C2713442, MONDO:0021056, OMIM 175100. Disease mechanism: loss of function.

Submissions (6):

Ambry Genetics
Classification: Pathogenic for Hereditary cancer-predisposing syndrome. Last evaluated: 2025-01-16. Review status: criteria provided, single submitter. Criteria: Ambry Variant Classification Scheme 2023. Collection method: clinical testing. Allele origin: germline.
Comment: The p.Q999* pathogenic mutation (also known as c.2995C>T), located in coding exon 15 of the APC gene, results from a C to T substitution at nucleotide position 2995. This changes the amino acid from a glutamine to a stop codon within coding exon 15. This alteration occurs at the 3' terminus of APC gene, is not expected to trigger nonsense-mediated mRNA decay, and impacts the last 64.9% of the protein. However, premature stop codons are typically deleterious in nature and the impacted region is critical for protein function (Ambry internal data). This variant was reported in individual(s) with features consistent with APC-related familial adenomatous polyposis (Won YJ et al. J Hum Genet, 1999;44:103-8; Lagarde A et al. J Med Genet, 2010 Oct;47:721-2; Yang A et al. Pediatr Blood Cancer, 2018 Apr;65:). This variant is considered to be rare based on population cohorts in the Genome Aggregation Database (gnomAD). Based on the supporting evidence, this variant is interpreted as a disease-causing mutation.

GeneDx
Classification: Pathogenic. Last evaluated: 2024-09-12. Review status: criteria provided, single submitter. Criteria: GeneDx Variant Classification Process June 2021. Collection method: clinical testing. Allele origin: germline. Affected: yes.
Comment: Nonsense variant predicted to result in protein truncation or nonsense mediated decay in a gene for which loss of function is a known mechanism of disease; Not observed at significant frequency in large population cohorts (gnomAD); This variant is associated with the following publications: (PMID: 16088911, 10083733, 29251405)

Myriad Genetics, Inc.
Classification: Pathogenic for Familial adenomatous polyposis 1. Last evaluated: 2023-05-05. Review status: criteria provided, single submitter. Criteria: Myriad Autosomal Dominant, Autosomal Recessive and X-Linked Classification Criteria (2023). Collection method: clinical testing. Allele origin: unknown.
Comment: This variant is considered pathogenic. This variant creates a termination codon and is predicted to result in premature protein truncation.

Department of Pathology and Laboratory Medicine, Sinai Health System
Classification: Uncertain significance. Review status: no assertion criteria provided. Collection method: clinical testing. Allele origin: unknown. Affected: yes. Observed: 2 variant alleles. Study: The Canadian Open Genetics Repository (COGR). Not counted in ClinVar's aggregate classification.

Diagnostic Laboratory, Department of Genetics, University Medical Center Groningen
Classification: Pathogenic. Review status: no assertion criteria provided. Collection method: clinical testing. Allele origin: germline. Affected: yes. Study: VKGL Data-share Consensus. Not counted in ClinVar's aggregate classification.

Joint Genome Diagnostic Labs from Nijmegen and Maastricht, Radboudumc and MUMC+
Classification: Pathogenic. Review status: no assertion criteria provided. Collection method: clinical testing. Allele origin: germline. Affected: yes. Study: VKGL Data-share Consensus. Not counted in ClinVar's aggregate classification.

Literature cited by the submitters: PubMed 10083733 (cited by Ambry Genetics); PubMed 20685668 (cited by Ambry Genetics); PubMed 29251405 (cited by Ambry Genetics).